The following is an entry in ClinVar:

ClinVar aggregate classification (germline): Uncertain significance (1 of 4 stars; one submission).

Conditions:
Genitopatellar syndrome (GTPTS). Also called: ABSENT PATELLAE, SCROTAL HYPOPLASIA, RENAL ANOMALIES, FACIAL DYSMORPHISM, AND MENTAL RETARDATION; Genitopatellar syndrome (GPS). Identifiers: Orphanet 85201, MedGen C1853566, MONDO:0011640, OMIM 606170.

Submission:

Labcorp Genetics (formerly Invitae), Labcorp
Classification: Uncertain significance for Genitopatellar syndrome. Last evaluated: 2025-05-10. Review status: criteria provided, single submitter. Criteria: Invitae Variant Classification Sherloc (09022015). Collection method: clinical testing. Allele origin: germline.
Comment: This sequence change replaces lysine, which is basic and polar, with glutamic acid, which is acidic and polar, at codon 1399 of the KAT6B protein (p.Lys1399Glu). This variant is not present in population databases (gnomAD no frequency). This variant has not been reported in the literature in individuals affected with KAT6B-related conditions. An algorithm developed to predict the effect of missense changes on protein structure and function (PolyPhen-2) suggests that this variant is likely to be tolerated. In summary, the available evidence is currently insufficient to determine the role of this variant in disease. Therefore, it has been classified as a Variant of Uncertain Significance.

NM_012330.4(KAT6B):c.4195A>G (p.Lys1399Glu)

Gene: KAT6B (lysine acetyltransferase 6B; plus strand). Cytogenetic location: 10q22.2.
Variant type: single nucleotide variant.
Coding change: c.4195A>G on transcript NM_012330.4 (MANE Select); coding-DNA position 4195, A replaced by G.
Protein change: p.Lys1399Glu; replaces lysine 1399 with glutamic acid.
Molecular consequence: missense variant.
Genome position (GRCh38, 1-based): chr10:75,029,019, A>G. VCF-style: chr10-75029019-A-G. GRCh37 (hg19) VCF-style: chr10-76788777-A-G.
Other names: c.3646A>G, p.Lys1216Glu (NM_001256468.2, NM_001370138.1); c.3319A>G, p.Lys1107Glu (NM_001256469.2, NM_001370139.1, NM_001370140.1 and 2 more transcripts); c.3157A>G, p.Lys1053Glu (NM_001370132.1); c.2506A>G, p.Lys836Glu (NM_001370133.1); c.2110A>G, p.Lys704Glu (NM_001370134.1); c.1852A>G, p.Lys618Glu (NM_001370135.1); c.4195A>G, p.Lys1399Glu (NM_001370136.1, NM_001370137.1); c.3130A>G, p.Lys1044Glu (NM_001370143.1, NM_001370144.1); short protein forms K1107E, K1053E, K704E, K836E, K618E, K1044E, K1216E, K1399E.
Identifiers: ClinVar variation 4711378 (VCV004711378.1).